The following is an entry in ClinVar:

NM_001170629.2(CHD8):c.2836A>G (p.Ile946Val)

Gene: CHD8 (chromodomain helicase DNA binding protein 8; minus strand). Cytogenetic location: 14q11.2.
Variant type: single nucleotide variant.
Coding change: c.2836A>G on transcript NM_001170629.2 (MANE Select); coding-DNA position 2836, A replaced by G.
Protein change: p.Ile946Val; replaces isoleucine 946 with valine.
Molecular consequence: missense variant.
Genome position (GRCh38, 1-based): chr14:21,406,927, T>C on the plus strand (A>G on the coding strand, the complement: CHD8 is on the minus strand). VCF-style: chr14-21406927-T-C. GRCh37 (hg19) VCF-style: chr14-21875086-T-C.
Other names: c.1999A>G, p.Ile667Val (NM_020920.4); short protein forms I667V, I946V.
Identifiers: ClinVar variation 2993909 (VCV002993909.3), dbSNP rs2501917614, ClinGen allele CA388873973.

ClinVar aggregate classification (germline): Uncertain significance (1 of 4 stars; one submission).

Allele frequency attached by ClinVar (database versions not stated): gnomAD exomes 0.00001.
gnomAD v4.1: 3 of 1,613,366 alleles (0.00019%); highest among the groups gnomAD compares: Non-Finnish European, 0.00025%; no homozygotes.

Submission:

Labcorp Genetics (formerly Invitae), Labcorp
Classification: Uncertain significance. Last evaluated: 2025-12-08. Review status: criteria provided, single submitter. Criteria: Invitae Variant Classification Sherloc (09022015). Collection method: clinical testing. Allele origin: germline.
Comment: This sequence change replaces isoleucine, which is neutral and non-polar, with valine, which is neutral and non-polar, at codon 946 of the CHD8 protein (p.Ile946Val). This variant is not present in population databases (gnomAD no frequency). This variant has not been reported in the literature in individuals affected with CHD8-related conditions. ClinVar contains an entry for this variant (Variation ID: 2993909). Invitae Evidence Modeling of protein sequence and biophysical properties (such as structural, functional, and spatial information, amino acid conservation, physicochemical variation, residue mobility, and thermodynamic stability) indicates that this missense variant is not expected to disrupt CHD8 protein function with a negative predictive value of 95%. In summary, the available evidence is currently insufficient to determine the role of this variant in disease. Therefore, it has been classified as a Variant of Uncertain Significance.